The following is an entry in ClinVar:

ClinVar aggregate classification (germline): Uncertain significance. Review status: criteria provided, multiple submitters, no conflicts (2 of 4 stars). 2 submissions from 2 submitters: Uncertain significance (2). Last evaluated 2025-12-04.

Conditions:
Hereditary cancer-predisposing syndrome. Also called: Neoplastic Syndromes, Hereditary; Tumor predisposition; Hereditary Cancer Syndrome; Hereditary neoplastic syndrome. Identifiers: Orphanet 140162, MedGen C0027672, MeSH D009386, MONDO:0015356.
Mitochondrial complex II deficiency, nuclear type 1. Also called: SUCCINATE CoQ REDUCTASE DEFICIENCY. Identifiers: Orphanet 3208, MedGen C5700310, MONDO:0100294, OMIM 252011.
Pheochromocytoma/paraganglioma syndrome 5. Also called: Paragangliomas 5; SDHA-Related Hereditary Paraganglioma-Pheochromocytoma Syndrome. Identifiers: Orphanet 29072, MedGen C3279992, MONDO:0013602, OMIM 614165.

Allele frequency attached by ClinVar (database versions not stated): gnomAD exomes below 0.00001; ExAC 0.00001.
gnomAD v4.1: 1 of 1,613,274 alleles (0.000062%); highest among the groups gnomAD compares: Admixed American, 0.0017%; no homozygotes.

Submissions (2):

Labcorp Genetics (formerly Invitae), Labcorp
Classification: Uncertain significance for Pheochromocytoma/paraganglioma syndrome 5; Mitochondrial complex II deficiency, nuclear type 1. Last evaluated: 2025-12-04. Review status: criteria provided, single submitter. Criteria: Invitae Variant Classification Sherloc (09022015). Collection method: clinical testing. Allele origin: germline.
Comment: This sequence change replaces tyrosine, which is neutral and polar, with cysteine, which is neutral and slightly polar, at codon 219 of the SDHA protein (p.Tyr219Cys). This variant is present in population databases (rs756877901, gnomAD 0.003%). This variant has not been reported in the literature in individuals affected with SDHA-related conditions. ClinVar contains an entry for this variant (Variation ID: 2923045). Invitae Evidence Modeling of protein sequence and biophysical properties (such as structural, functional, and spatial information, amino acid conservation, physicochemical variation, residue mobility, and thermodynamic stability) has been performed for this missense variant. However, the output from this modeling did not meet the statistical confidence thresholds required to predict the impact of this variant on SDHA protein function. In summary, the available evidence is currently insufficient to determine the role of this variant in disease. Therefore, it has been classified as a Variant of Uncertain Significance.

Ambry Genetics
Classification: Uncertain significance for Hereditary cancer-predisposing syndrome. Last evaluated: 2025-06-03. Review status: criteria provided, single submitter. Criteria: Ambry Variant Classification Scheme 2023. Collection method: clinical testing. Allele origin: germline.
Comment: The p.Y219C variant (also known as c.656A>G), located in coding exon 6 of the SDHA gene, results from an A to G substitution at nucleotide position 656. The tyrosine at codon 219 is replaced by cysteine, an amino acid with highly dissimilar properties. This amino acid position is conserved. In addition, this alteration is predicted to be deleterious by in silico analysis. Based on the available evidence, the clinical significance of this variant remains unclear.

NM_004168.4(SDHA):c.656A>G (p.Tyr219Cys)

Gene: SDHA (succinate dehydrogenase complex flavoprotein subunit A; plus strand). Cytogenetic location: 5p15.33.
Variant type: single nucleotide variant.
Coding change: c.656A>G on transcript NM_004168.4 (MANE Select); coding-DNA position 656, A replaced by G.
Protein change: p.Tyr219Cys; replaces tyrosine 219 with cysteine.
Molecular consequence: missense variant.
Genome position (GRCh38, 1-based): chr5:228,219, A>G. VCF-style: chr5-228219-A-G. GRCh37 (hg19) VCF-style: chr5-228334-A-G.
Other names: c.656A>G (NM_004168.2); c.512A>G, p.Tyr171Cys (NM_001294332.2); c.656A>G, p.Tyr219Cys (NM_001330758.2); short protein forms Y171C, Y219C.
Identifiers: ClinVar variation 2923045 (VCV002923045.4), dbSNP rs756877901, ClinGen allele CA3172939.